The following is an entry in ClinVar:

NM_000069.3(CACNA1S):c.662A>G (p.Lys221Arg)

Gene: CACNA1S (calcium voltage-gated channel subunit alpha1 S; minus strand). Cytogenetic location: 1q32.1.
Variant type: single nucleotide variant.
Coding change: c.662A>G on transcript NM_000069.3 (MANE Select); coding-DNA position 662, A replaced by G.
Protein change: p.Lys221Arg; replaces lysine 221 with arginine.
Molecular consequence: missense variant.
Genome position (GRCh38, 1-based): chr1:201,091,672, T>C on the plus strand (A>G on the coding strand, the complement: CACNA1S is on the minus strand). VCF-style: chr1-201091672-T-C. GRCh37 (hg19) VCF-style: chr1-201060800-T-C.
Other names: short protein forms K221R.
Identifiers: ClinVar variation 3069864 (VCV003069864.3), dbSNP rs1467909530, ClinGen allele CA344139478.
Genomic context (GRCh38, chr1:201,091,672, plus strand): 5'-CACAGCCCCACTTTCCCTGGGAGCTCACCTGTACCAATGAAGTAGCAGGTCTTGTGCATC[T>C]TGCCCTTGAAGAGCTCCAGCCCGATGATGGCATAGATGATGACCATAAAGAGGACCAGCA-3'
Protein context (NP_000060.2, residues 211-231): AIIGLELFKG[Lys221Arg]MHKTCYFIGT

ClinVar aggregate classification (germline): Uncertain significance. Review status: criteria provided, multiple submitters, no conflicts (2 of 4 stars). 2 submissions from 2 submitters: Uncertain significance (2). Last evaluated 2025-10-05.

Conditions:
Malignant hyperthermia, susceptibility to, 5 (MHS5). Also called: CACNA1S-Related Malignant Hyperthermia Susceptibility. Identifiers: Orphanet 423, MedGen C1866077, MONDO:0011163, OMIM 601887.

Allele frequency attached by ClinVar (database versions not stated): gnomAD exomes below 0.00001; TOPMed below 0.00001; gnomAD 0.00001.
gnomAD v4.1: 5 of 1,614,102 alleles (0.00031%); highest among the groups gnomAD compares: Non-Finnish European, 0.00017%; no homozygotes.

Submissions (2):

Color Diagnostics, LLC DBA Color Health
Classification: Uncertain significance for Malignant hyperthermia, susceptibility to, 5. Last evaluated: 2025-10-05. Review status: criteria provided, single submitter. Criteria: ACMG Guidelines, 2015. Collection method: clinical testing. Allele origin: germline.
Comment: This missense variant replaces lysine with arginine at codon 221 of the CACNA1S protein. Computational prediction is inconclusive regarding the impact of this variant on protein structure and function. To our knowledge, functional studies have not been reported for this variant. This variant has not been reported in individuals affected with CACNA1S-related disorders in the literature. This variant has not been identified in the general population by the Genome Aggregation Database (gnomAD). The available evidence is insufficient to determine the role of this variant in disease conclusively. Therefore, this variant is classified as a Variant of Uncertain Significance.

All of Us Research Program, National Institutes of Health
Classification: Uncertain significance for Malignant hyperthermia, susceptibility to, 5. Last evaluated: 2024-03-05. Review status: criteria provided, single submitter. Criteria: ACMG Guidelines, 2015. Collection method: clinical testing. Allele origin: germline. Inheritance: Autosomal dominant inheritance. Observed: 2 variant alleles, 2 heterozygotes.
Comment: This study involves interpretation of variants in research participants for the purpose of population health screening. Participant phenotype was not available at the time of variant classification. Additional details can be found in publication PMID: 35346344, PMCID: PMC8962531